The following is an entry in ClinVar:

NM_006766.5(KAT6A):c.751C>T (p.Arg251Ter)

Gene: KAT6A (lysine acetyltransferase 6A; minus strand). Cytogenetic location: 8p11.21.
Variant type: single nucleotide variant.
Coding change: c.751C>T on transcript NM_006766.5 (MANE Select); coding-DNA position 751, C replaced by T.
Protein change: p.Arg251Ter; replaces arginine 251 with a stop codon.
Molecular consequence: nonsense.
Genome position (GRCh38, 1-based): chr8:41,981,913, G>A on the plus strand (C>T on the coding strand, the complement: KAT6A is on the minus strand). VCF-style: chr8-41981913-G-A. GRCh37 (hg19) VCF-style: chr8-41839431-G-A.
Other names: c.751C>T, p.Arg251Ter (NM_001305878.2); short protein forms R251*.
Identifiers: ClinVar variation 4888422 (VCV004888422.2).

ClinVar aggregate classification (germline): Likely pathogenic. Review status: criteria provided, multiple submitters, no conflicts (2 of 4 stars). 2 submissions from 2 submitters: Likely pathogenic (2). Last evaluated 2024-09-12.

Conditions:
Autosomal dominant intellectual disability-craniofacial anomalies-cardiac defects syndrome (ARTHS). Also called: Arboleda-Tham syndrome; Mental retardation, autosomal dominant 32; KAT6A syndrome. Identifiers: Orphanet 457193, MedGen C4225396, MONDO:0014558, OMIM 616268.
KAT6A-related disorder. Also called: KAT6A-related condition.

Submissions (2):

New York Genome Center
Classification: Likely pathogenic for Autosomal dominant intellectual disability-craniofacial anomalies-cardiac defects syndrome. Last evaluated: 2024-09-12. Review status: criteria provided, single submitter. Criteria: NYGC Assertion Criteria 2020. Collection method: clinical testing. Allele origin: de novo. Observed: 1 variant allele, 1 heterozygote.
Comment: The de novo heterozygous c.751C>T variant has been reported as de novo in a fetus with intrauterine growth retardation and syndactyly [PMID: 36307859], and in an individual with neurodevelopmental disorder [PMID:33004838] and is absent from the gnomAD v4.0.0 database, suggesting it is not a common benign variant in the populations represented in that database. The c.751C>T variant in KAT6A is located in exon 4 of this 17-exon gene and is predicted to incorporate a premature translation termination codon [p.(Arg251Ter)] and is expected to result in loss of function either through protein truncation or nonsense-mediated mRNA decay. Predicted loss-of-function variants in exon 4 as well as in upstream and downstream exons of KAT6A have been reported in the literature [PMID: 30245513] and in the ClinVar database [ClinVar ID: 620554]. Based on available evidence the de novo heterozygous c.751C>T, p.(Arg251Ter) variant identified in KAT6A is classified as Likely Pathogenic.

Blueprint Genetics
Classification: Likely pathogenic for KAT6A-related disorders. Last evaluated: 2024-02-21. Review status: criteria provided, single submitter. Criteria: ACMG Guidelines, 2015. Collection method: clinical testing. Allele origin: germline. Affected: yes. Observed: 2 variant alleles.

Literature cited by the submitters: PubMed 36307859 (cited by New York Genome Center); PubMed 33004838 (cited by New York Genome Center).